The following is an entry in ClinVar:

ClinVar aggregate classification (germline): Uncertain significance (1 of 4 stars; one submission).

Submission:

Labcorp Genetics (formerly Invitae), Labcorp
Classification: Uncertain significance. Last evaluated: 2022-12-15. Review status: criteria provided, single submitter. Criteria: Invitae Variant Classification Sherloc (09022015). Collection method: clinical testing. Allele origin: germline.
Comment: In summary, the available evidence is currently insufficient to determine the role of this variant in disease. Therefore, it has been classified as a Variant of Uncertain Significance. Algorithms developed to predict the effect of missense changes on protein structure and function are either unavailable or do not agree on the potential impact of this missense change (SIFT: "Deleterious"; PolyPhen-2: "Probably Damaging"; Align-GVGD: "Class C15"). ClinVar contains an entry for this variant (Variation ID: 1036865). This variant has not been reported in the literature in individuals affected with MSH3-related conditions. This variant is not present in population databases (gnomAD no frequency). This sequence change replaces threonine, which is neutral and polar, with lysine, which is basic and polar, at codon 397 of the MSH3 protein (p.Thr397Lys).

NM_002439.5(MSH3):c.1190C>A (p.Thr397Lys)

Gene: MSH3 (mutS homolog 3; plus strand). Cytogenetic location: 5q14.1.
Variant type: single nucleotide variant.
Coding change: c.1190C>A on transcript NM_002439.5 (MANE Select); coding-DNA position 1190, C replaced by A.
Protein change: p.Thr397Lys; replaces threonine 397 with lysine.
Molecular consequence: missense variant.
Genome position (GRCh38, 1-based): chr5:80,678,943, C>A. VCF-style: chr5-80678943-C-A. GRCh37 (hg19) VCF-style: chr5-79974762-C-A.
Other names: short protein forms T397K.
Identifiers: ClinVar variation 1036865 (VCV001036865.8), dbSNP rs773157190, ClinGen allele CA360268846.